The following is an entry in ClinVar:

NM_004036.5(ADCY3):c.1773C>T (p.Asn591=)

Gene: ADCY3 (adenylate cyclase 3; minus strand). Cytogenetic location: 2p23.3.
Variant type: single nucleotide variant.
Coding change: c.1773C>T on transcript NM_004036.5 (MANE Select); coding-DNA position 1773, C replaced by T.
Protein change: p.Asn591=; no amino-acid change (asparagine 591 retained).
Molecular consequence: synonymous variant.
Genome position (GRCh38, 1-based): chr2:24,834,826, G>A on the plus strand (C>T on the coding strand, the complement: ADCY3 is on the minus strand). VCF-style: chr2-24834826-G-A. GRCh37 (hg19) VCF-style: chr2-25057695-G-A.
Other names: c.1773C>T, p.Asn591= (NM_001320613.2, NM_001377129.1, NM_001377130.1 and 1 more transcripts); c.1839C>T, p.Asn613= (NM_001377128.1); c.1050C>T, p.Asn350= (NM_001377131.1).
Identifiers: ClinVar variation 3054694 (VCV003054694.2), dbSNP rs77445198, ClinGen allele CA1554019.

ClinVar aggregate classification (germline): Likely benign (0 of 4 stars; one submission).

Conditions:
ADCY3-related disorder. Also called: ADCY3-related condition.

Allele frequency attached by ClinVar (database versions not stated): gnomAD 0.00001; TOPMed 0.00002; ExAC 0.00004; gnomAD exomes 0.00005.
gnomAD v4.1: 73 of 1,613,814 alleles (0.0045%); highest among the groups gnomAD compares: Middle Eastern, 0.066%; no homozygotes.

Submission:

PreventionGenetics, part of Exact Sciences
Classification: Likely benign for ADCY3-related condition. Last evaluated: 2023-05-10. Review status: no assertion criteria provided. Collection method: clinical testing. Allele origin: germline.
Comment: This variant is classified as likely benign based on ACMG/AMP sequence variant interpretation guidelines (Richards et al. 2015 PMID: 25741868, with internal and published modifications).